The following is an entry in ClinVar:

NM_001164760.2(PRKAR1B):c.1014T>C (p.Thr338=)

Gene: PRKAR1B (protein kinase cAMP-dependent type I regulatory subunit beta; minus strand). Cytogenetic location: 7p22.3.
Variant type: single nucleotide variant.
Coding change: c.1014T>C on transcript NM_001164760.2 (MANE Select); coding-DNA position 1014, T replaced by C.
Protein change: p.Thr338=; no amino-acid change (threonine 338 retained).
Molecular consequence: synonymous variant.
Genome position (GRCh38, 1-based): chr7:550,562, A>G on the plus strand (T>C on the coding strand, the complement: PRKAR1B is on the minus strand). VCF-style: chr7-550562-A-G. GRCh37 (hg19) VCF-style: chr7-590199-A-G.
Other names: p.Thr338=; c.1014T>C, p.Thr338= (NM_001164758.2, NM_001164759.1, NM_001164761.2 and 2 more transcripts); c.1014T>C (NM_001164761.1).
Identifiers: ClinVar variation 1210100 (VCV001210100.5), dbSNP rs11545042, ClinGen allele CA4109834.

ClinVar aggregate classification (germline): Benign. Review status: criteria provided, single submitter (1 of 4 stars). 4 submissions from 4 submitters: Benign (1). 3 of the submissions do not count toward it. Last evaluated 2022-03-24.

Conditions:
PRKAR1B-related disorder. Also called: PRKAR1B-related condition.

Allele frequency attached by ClinVar (database versions not stated): gnomAD exomes 0.12670 and 0.13152; ExAC 0.16830; ESP Exome Variant Server 0.14392; gnomAD 0.15052 and 0.14795; 1000 Genomes Project 0.15875; TOPMed 0.14758; 1000 Genomes Project 30x 0.15740.
gnomAD v4.1: 205,530 of 1,598,392 alleles (13%); highest among the groups gnomAD compares: East Asian, 25%; 14,221 homozygotes.

Submissions (4):

Mayo Clinic Laboratories, Mayo Clinic
Classification: Benign. Last evaluated: 2022-03-24. Review status: criteria provided, single submitter. Criteria: ACMG Guidelines, 2015. Collection method: clinical testing. Allele origin: germline. Observed: 144 variant alleles.

PreventionGenetics, part of Exact Sciences
Classification: Benign for PRKAR1B-related condition. Last evaluated: 2019-03-05. Review status: no assertion criteria provided. Collection method: clinical testing. Allele origin: germline. Not counted in ClinVar's aggregate classification.
Comment: This variant is classified as benign based on ACMG/AMP sequence variant interpretation guidelines (Richards et al. 2015 PMID: 25741868, with internal and published modifications).

Clinical Genetics DNA and cytogenetics Diagnostics Lab, Erasmus MC, Erasmus Medical Center
Classification: Benign. Review status: no assertion criteria provided. Collection method: clinical testing. Allele origin: germline. Affected: yes. Study: VKGL Data-share Consensus. Not counted in ClinVar's aggregate classification.

Genome Diagnostics Laboratory, Amsterdam University Medical Center
Classification: Benign. Review status: no assertion criteria provided. Collection method: clinical testing. Allele origin: germline. Affected: yes. Study: VKGL Data-share Consensus. Not counted in ClinVar's aggregate classification.